The following is an entry in ClinVar:

ClinVar aggregate classification (germline): Uncertain significance (1 of 4 stars; one submission).

Conditions:
Joubert syndrome. Also called: CEREBELLOPARENCHYMAL DISORDER IV; JOUBERT-BOLTSHAUSER SYNDROME; Familial aplasia of the vermis. Identifiers: Orphanet 475, MedGen C5979921, MONDO:0018772.
Meckel-Gruber syndrome. Also called: DYSENCEPHALIA SPLANCHNOCYSTICA; GRUBER SYNDROME; Dysencephalia splachnocystica. Identifiers: Orphanet 564, MedGen C0265215, MONDO:0018921.

Submission:

Labcorp Genetics (formerly Invitae), Labcorp
Classification: Uncertain significance for Joubert syndrome; Meckel-Gruber syndrome. Last evaluated: 2021-12-25. Review status: criteria provided, single submitter. Criteria: Invitae Variant Classification Sherloc (09022015). Collection method: clinical testing. Allele origin: germline.
Comment: In summary, the available evidence is currently insufficient to determine the role of this variant in disease. Therefore, it has been classified as a Variant of Uncertain Significance. Advanced modeling of protein sequence and biophysical properties (such as structural, functional, and spatial information, amino acid conservation, physicochemical variation, residue mobility, and thermodynamic stability) performed at Invitae indicates that this missense variant is expected to disrupt TMEM67 protein function. This variant has not been reported in the literature in individuals affected with TMEM67-related conditions. This variant is not present in population databases (gnomAD no frequency). This sequence change replaces histidine, which is basic and polar, with leucine, which is neutral and non-polar, at codon 285 of the TMEM67 protein (p.His285Leu).

NM_153704.6(TMEM67):c.854A>T (p.His285Leu)

Gene: TMEM67 (transmembrane protein 67; plus strand). Cytogenetic location: 8q22.1.
Variant type: single nucleotide variant.
Coding change: c.854A>T on transcript NM_153704.6 (MANE Select); coding-DNA position 854, A replaced by T.
Protein change: p.His285Leu; replaces histidine 285 with leucine.
Molecular consequence: missense variant. On other transcripts: non-coding transcript variant (1).
Genome position (GRCh38, 1-based): chr8:93,780,732, A>T. VCF-style: chr8-93780732-A-T. GRCh37 (hg19) VCF-style: chr8-94792960-A-T.
Other names: c.611A>T, p.His204Leu (NM_001142301.1); short protein forms H204L, H285L.
Identifiers: ClinVar variation 1944121 (VCV001944121.5), dbSNP rs2536842200, ClinGen allele CA371688077.